The following is an entry in ClinVar:

ClinVar aggregate classification (germline): Uncertain significance (1 of 4 stars; one submission).

gnomAD v4.1: 1 of 1,273,714 alleles (0.000079%); no homozygotes.

Submission:

Labcorp Genetics (formerly Invitae), Labcorp
Classification: Uncertain significance. Last evaluated: 2025-06-10. Review status: criteria provided, single submitter. Criteria: Invitae Variant Classification Sherloc (09022015). Collection method: clinical testing. Allele origin: germline.
Comment: This sequence change replaces glutamine, which is neutral and polar, with arginine, which is basic and polar, at codon 8 of the SUCLG2 protein (p.Gln8Arg). This variant is not present in population databases (gnomAD no frequency). This variant has not been reported in the literature in individuals affected with SUCLG2-related conditions. An algorithm developed to predict the effect of missense changes on protein structure and function outputs the following: PolyPhen-2: "Benign". The arginine amino acid residue is found in multiple mammalian species, which suggests that this missense change does not adversely affect protein function. In summary, the available evidence is currently insufficient to determine the role of this variant in disease. Therefore, it has been classified as a Variant of Uncertain Significance.

NM_003848.4(SUCLG2):c.23A>G (p.Gln8Arg)

Gene: SUCLG2 (succinate-CoA ligase GDP-forming subunit beta; minus strand). Cytogenetic location: 3p14.1.
Variant type: single nucleotide variant.
Coding change: c.23A>G on transcript NM_003848.4 (MANE Select); coding-DNA position 23, A replaced by G.
Protein change: p.Gln8Arg; replaces glutamine 8 with arginine.
Molecular consequence: missense variant.
Genome position (GRCh38, 1-based): chr3:67,654,564, T>C on the plus strand (A>G on the coding strand, the complement: SUCLG2 is on the minus strand). VCF-style: chr3-67654564-T-C. GRCh37 (hg19) VCF-style: chr3-67704988-T-C.
Other names: c.23A>G, p.Gln8Arg (NM_001177599.2); short protein forms Q8R.
Identifiers: ClinVar variation 4780695 (VCV004780695.1).
Genomic context (GRCh38, chr3:67,654,564, plus strand): 5'-TGGGACCCGGCCGCCAGGAAGCGGGGCCGCAGCGCTAGGGCTCGCAGAAGCTTCCCGGCC[T>C]GCGCTGCTACGGGGGACGCCATCTTAAACAGGAAACTCGGCACGGGGCAGTAGGGCGGGC-3'
Protein context (NP_003839.2, residues 1-18): MASPVAA[Gln8Arg]AGKLLRALAL